The following is an entry in ClinVar:

NM_012213.3(MLYCD):c.913A>G (p.Thr305Ala)

Genes: MLYCD (malonyl-CoA decarboxylase; plus strand), LOC126862422 (CDK7 strongly-dependent group 2 enhancer GRCh37_chr16:83945234-83946433; plus strand). Cytogenetic location: 16q23.3.
Variant type: single nucleotide variant.
Coding change: c.913A>G on transcript NM_012213.3 (MANE Select); coding-DNA position 913, A replaced by G.
Protein change: p.Thr305Ala; replaces threonine 305 with alanine.
Molecular consequence: missense variant.
Genome position (GRCh38, 1-based): chr16:83,912,332, A>G. VCF-style: chr16-83912332-A-G. GRCh37 (hg19) VCF-style: chr16-83945937-A-G.
Other names: short protein forms T305A.
Identifiers: ClinVar variation 888559 (VCV000888559.6), dbSNP rs200745228, ClinGen allele CA285428983.
Genomic context (GRCh38, chr16:83,912,332, plus strand): 5'-GCTGCGATCTTTTATTCCATCAGCTTGACCCAGCAGGGACTCCAAGGGGTGGAGCTGGGA[A>G]CATTCCTCATAAAGCGAGTCGTCAAGGAGTTGCAGGTAAGCGACACGCAGGGAGCCCCGG-3'
Protein context (NP_036345.2, residues 295-315): QQGLQGVELG[Thr305Ala]FLIKRVVKEL

ClinVar aggregate classification (germline): Uncertain significance. Review status: criteria provided, multiple submitters, no conflicts (2 of 4 stars). 3 submissions from 3 submitters: Uncertain significance (3). Last evaluated 2024-09-02.

Conditions:
Deficiency of malonyl-CoA decarboxylase. Also called: Malonic aciduria; MCD deficiency. Identifiers: Orphanet 943, MedGen C0342793, MONDO:0009556, OMIM 248360.
Inborn genetic diseases. Identifiers: MedGen C0950123, MeSH D030342.

Allele frequency attached by ClinVar (database versions not stated): gnomAD 0.00001; TOPMed 0.00001.
gnomAD v4.1: 4 of 1,614,064 alleles (0.00025%); highest among the groups gnomAD compares: Non-Finnish European, 0.00034%; no homozygotes.

Submissions (3):

Ambry Genetics
Classification: Uncertain significance for Inborn genetic diseases. Last evaluated: 2024-09-02. Review status: criteria provided, single submitter. Criteria: Ambry Variant Classification Scheme 2023. Collection method: clinical testing. Allele origin: germline.

GeneDx
Classification: Uncertain significance. Last evaluated: 2024-06-04. Review status: criteria provided, single submitter. Criteria: GeneDx Variant Classification Process June 2021. Collection method: clinical testing. Allele origin: germline. Affected: yes.
Comment: Not observed at significant frequency in large population cohorts (gnomAD); In silico analysis indicates that this missense variant does not alter protein structure/function; Has not been previously published as pathogenic or benign to our knowledge

Illumina Laboratory Services, Illumina
Classification: Uncertain significance for Deficiency of malonyl-CoA decarboxylase. Last evaluated: 2018-02-02. Review status: criteria provided, single submitter. Criteria: ICSL Variant Classification Criteria 13 December 2019. Collection method: clinical testing. Allele origin: germline.